The following is an entry in ClinVar:

NM_006147.4(IRF6):c.236G>A (p.Trp79Ter)

Gene: IRF6 (interferon regulatory factor 6; minus strand). Cytogenetic location: 1q32.2.
Variant type: single nucleotide variant.
Coding change: c.236G>A on transcript NM_006147.4 (MANE Select); coding-DNA position 236, G replaced by A.
Protein change: p.Trp79Ter; replaces tryptophan 79 with a stop codon.
Molecular consequence: nonsense. On other transcripts: 5 prime UTR variant (1).
Genome position (GRCh38, 1-based): chr1:209,796,491, C>T on the plus strand (G>A on the coding strand, the complement: IRF6 is on the minus strand). VCF-style: chr1-209796491-C-T. GRCh37 (hg19) VCF-style: chr1-209969836-C-T.
Other names: c.-50G>A (NM_001206696.2); short protein forms W79*.
Identifiers: ClinVar variation 3759342 (VCV003759342.2).

ClinVar aggregate classification (germline): Pathogenic (1 of 4 stars; one submission).

Conditions:
Van der Woude syndrome. Identifiers: Orphanet 888, MedGen C0175697, MONDO:0019508.
Popliteal pterygium syndrome (PPS). Identifiers: Orphanet 294963, MedGen C0265259, MONDO:0017435.
Orofacial cleft 6, susceptibility to (OFC6). Also called: CLEFT LIP WITH OR WITHOUT CLEFT PALATE, NONSYNDROMIC, 6. Identifiers: MedGen C1837213, MONDO:0012141, OMIM 608864.

Submission:

Labcorp Genetics (formerly Invitae), Labcorp
Classification: Pathogenic for Orofacial cleft 6, susceptibility to; Van der Woude syndrome; Popliteal pterygium syndrome. Last evaluated: 2024-10-28. Review status: criteria provided, single submitter. Criteria: Invitae Variant Classification Sherloc (09022015). Collection method: clinical testing. Allele origin: germline.
Comment: This sequence change creates a premature translational stop signal (p.Trp79*) in the IRF6 gene. It is expected to result in an absent or disrupted protein product. Loss-of-function variants in IRF6 are known to be pathogenic (PMID: 19282774, 23949966). This variant is not present in population databases (gnomAD no frequency). This variant has not been reported in the literature in individuals affected with IRF6-related conditions. For these reasons, this variant has been classified as Pathogenic.

Literature cited by the submitters: PubMed 19282774; PubMed 23949966.